The following is an entry in ClinVar:

ClinVar aggregate classification (germline): Uncertain significance (1 of 4 stars; one submission).

Submission:

Labcorp Genetics (formerly Invitae), Labcorp
Classification: Uncertain significance. Last evaluated: 2022-07-16. Review status: criteria provided, single submitter. Criteria: Invitae Variant Classification Sherloc (09022015). Collection method: clinical testing. Allele origin: germline.
Comment: In summary, the available evidence is currently insufficient to determine the role of this variant in disease. Therefore, it has been classified as a Variant of Uncertain Significance. Algorithms developed to predict the effect of missense changes on protein structure and function are either unavailable or do not agree on the potential impact of this missense change (SIFT: "Deleterious"; PolyPhen-2: "Benign"; Align-GVGD: "Class C65"). This variant has not been reported in the literature in individuals affected with LTBP2-related conditions. The frequency data for this variant in the population databases is considered unreliable, as metrics indicate poor data quality at this position in the gnomAD database. This sequence change replaces glutamic acid, which is acidic and polar, with glycine, which is neutral and non-polar, at codon 927 of the LTBP2 protein (p.Glu927Gly).

NM_000428.3(LTBP2):c.2780A>G (p.Glu927Gly)

Gene: LTBP2 (latent transforming growth factor beta binding protein 2; minus strand). Cytogenetic location: 14q24.3.
Variant type: single nucleotide variant.
Coding change: c.2780A>G on transcript NM_000428.3 (MANE Select); coding-DNA position 2780, A replaced by G.
Protein change: p.Glu927Gly; replaces glutamic acid 927 with glycine.
Molecular consequence: missense variant.
Genome position (GRCh38, 1-based): chr14:74,521,919, T>C on the plus strand (A>G on the coding strand, the complement: LTBP2 is on the minus strand). VCF-style: chr14-74521919-T-C. GRCh37 (hg19) VCF-style: chr14-74988622-T-C.
Other names: short protein forms E927G.
Identifiers: ClinVar variation 1919356 (VCV001919356.5), dbSNP rs1450303034, ClinGen allele CA390391879.
Genomic context (GRCh38, chr14:74,521,919, plus strand): 5'-ACCCCCTCAAGACTGTGGGGCCTGGCCAAGGGCAAGGGCGGGCTTGGCTTACCTTGACAC[T>C]CCTGTGTCGCCCCTGAGGTGGCCAGAGTGTAGCCAGGGTAGCAGAAGCAGGAGTAGGACC-3'
Protein context (NP_000419.1, residues 917-937): YTLATSGATQ[Glu927Gly]CQDINECEQP